The following is an entry in ClinVar:

ClinVar aggregate classification (germline): Uncertain significance. Review status: criteria provided, multiple submitters, no conflicts (2 of 4 stars). 2 submissions from 2 submitters: Uncertain significance (2). Last evaluated 2023-08-22.

Conditions:
Hereditary cancer-predisposing syndrome. Also called: Neoplastic Syndromes, Hereditary; Tumor predisposition; Hereditary Cancer Syndrome; Hereditary neoplastic syndrome. Identifiers: Orphanet 140162, MedGen C0027672, MeSH D009386, MONDO:0015356.
Familial adenomatous polyposis 1 (FAP1). Also called: FAMILIAL ADENOMATOUS POLYPOSIS 1, ATTENUATED; POLYPOSIS, ADENOMATOUS INTESTINAL. Identifiers: MedGen C2713442, MONDO:0021056, OMIM 175100. Disease mechanism: loss of function.

Submissions (2):

Labcorp Genetics (formerly Invitae), Labcorp
Classification: Uncertain significance for Familial adenomatous polyposis 1. Last evaluated: 2023-08-22. Review status: criteria provided, single submitter. Criteria: Invitae Variant Classification Sherloc (09022015). Collection method: clinical testing. Allele origin: germline.
Comment: Advanced modeling of protein sequence and biophysical properties (such as structural, functional, and spatial information, amino acid conservation, physicochemical variation, residue mobility, and thermodynamic stability) performed at Invitae indicates that this missense variant is not expected to disrupt APC protein function. In summary, the available evidence is currently insufficient to determine the role of this variant in disease. Therefore, it has been classified as a Variant of Uncertain Significance. ClinVar contains an entry for this variant (Variation ID: 231577). This variant has not been reported in the literature in individuals affected with APC-related conditions. This variant is not present in population databases (gnomAD no frequency). This sequence change replaces glutamic acid, which is acidic and polar, with alanine, which is neutral and non-polar, at codon 2619 of the APC protein (p.Glu2619Ala).

Ambry Genetics
Classification: Uncertain significance for Hereditary cancer-predisposing syndrome. Last evaluated: 2016-06-17. Review status: criteria provided, single submitter. Criteria: Ambry Variant Classification Scheme 2023. Collection method: clinical testing. Allele origin: germline.
Comment: The p.E2619A variant (also known as c.7856A>C), located in coding exon 15 of the APC gene, results from an A to C substitution at nucleotide position 7856. The glutamic acid at codon 2619 is replaced by alanine, an amino acid with dissimilar properties. This variant was not reported in population based cohorts in the following databases: Database of Single Nucleotide Polymorphisms (dbSNP), NHLBI Exome Sequencing Project (ESP), and 1000 Genomes Project. In the ESP, this variant was not observed in 6499 samples (12998 alleles) with coverage at this position. To date, this alteration has been detected with an allele frequency of approximately 0.003% (greater than 90000 alleles tested) in our clinical cohort. This amino acid position is well conserved in available vertebrate species. In addition, this alteration is predicted to be benign and deleterious by PolyPhen and SIFT in silico analyses, respectively. Since supporting evidence for this variant is limited at this time, the clinical significance of p.E2619A remains unclear.

NM_000038.6(APC):c.7856A>C (p.Glu2619Ala)

Gene: APC (APC regulator of Wnt signaling pathway; plus strand). Cytogenetic location: 5q22.2.
Variant type: single nucleotide variant.
Coding change: c.7856A>C on transcript NM_000038.6 (MANE Select); coding-DNA position 7856, A replaced by C.
Protein change: p.Glu2619Ala; replaces glutamic acid 2619 with alanine.
Molecular consequence: missense variant.
Genome position (GRCh38, 1-based): chr5:112,843,450, A>C. VCF-style: chr5-112843450-A-C. GRCh37 (hg19) VCF-style: chr5-112179147-A-C.
Other names: c.7856A>C, p.Glu2619Ala (NM_001127510.3, NM_001354895.2); c.7802A>C, p.Glu2601Ala (NM_001127511.3); c.7910A>C, p.Glu2637Ala (NM_001354896.2); c.7886A>C, p.Glu2629Ala (NM_001354897.2); c.7781A>C, p.Glu2594Ala (NM_001354898.2); c.7772A>C, p.Glu2591Ala (NM_001354899.2); c.7733A>C, p.Glu2578Ala (NM_001354900.2); c.7679A>C, p.Glu2560Ala (NM_001354901.2); and 5 more; short protein forms E2601A, E2619A, E2459A, E2578A, E2336A, E2629A, E2493A, E2560A.
Identifiers: ClinVar variation 231577 (VCV000231577.14), dbSNP rs876659239, ClinGen allele CA10578452.